The following is an entry in ClinVar:

ClinVar aggregate classification (germline): Benign/Likely benign. Review status: criteria provided, multiple submitters, no conflicts (2 of 4 stars). 8 submissions from 8 submitters: Benign (5); Likely benign (3). Last evaluated 2026-02-04.

Conditions:
Alport syndrome. Also called: Hemorrhagic familial nephritis; Hemorrhagic hereditary nephritis; Congenital hereditary hematuria. Identifiers: Orphanet 63, MedGen C1567741, MONDO:0018965.
Autosomal recessive Alport syndrome (ATS2). Also called: ALPORT SYNDROME 2, AUTOSOMAL RECESSIVE; Alport syndrome type 2; COL4A4 Alport Syndrome and Thin Basement Membrane Nephropathy; COL4A3-Related Nephropathy. Identifiers: Orphanet 63, Orphanet 88919, MedGen C4746745, MONDO:0008762, OMIM 203780.

Allele frequency attached by ClinVar (database versions not stated): 1000 Genomes Project 0.01418; 1000 Genomes Project 30x 0.01421; TOPMed 0.02377; gnomAD 0.02391 and 0.02412; ExAC 0.02745; ESP Exome Variant Server 0.02577; gnomAD exomes 0.02702.
gnomAD v4.1: 49,796 of 1,612,948 alleles (3.1%); highest among the groups gnomAD compares: Middle Eastern, 5.7%; 868 homozygotes.

Submissions (8):

Labcorp Genetics (formerly Invitae), Labcorp
Classification: Benign. Last evaluated: 2026-02-04. Review status: criteria provided, single submitter. Criteria: Invitae Variant Classification Sherloc (09022015). Collection method: clinical testing. Allele origin: germline.

Blueprint Genetics
Classification: Likely benign. Last evaluated: 2024-11-26. Review status: criteria provided, single submitter. Criteria: ACMG Guidelines, 2015. Collection method: clinical testing. Allele origin: germline.

Genome-Nilou Lab
Classification: Benign for Autosomal recessive Alport syndrome. Last evaluated: 2021-06-10. Review status: criteria provided, single submitter. Criteria: ACMG Guidelines, 2015. Collection method: clinical testing. Allele origin: germline. Affected: no.

GeneDx
Classification: Likely benign. Last evaluated: 2018-07-05. Review status: criteria provided, single submitter. Criteria: GeneDx Variant Classification Process June 2021. Collection method: clinical testing. Allele origin: germline. Affected: yes.

Illumina Laboratory Services, Illumina
Classification: Benign for Alport syndrome. Last evaluated: 2017-04-27. Review status: criteria provided, single submitter. Criteria: ICSL Variant Classification Criteria 13 December 2019. Collection method: clinical testing. Allele origin: germline.
Comment: This variant was observed as part of a predisposition screen in an ostensibly healthy population. A literature search was performed for the gene, cDNA change, and amino acid change (where applicable). Publications were found based on this search. The evidence from the literature, in combination with allele frequency data from public databases where available, was sufficient to rule this variant out of causing disease. Therefore, this variant is classified as benign.

Laboratory for Molecular Medicine, Mass General Brigham Personalized Medicine
Classification: Benign. Last evaluated: 2016-03-21. Review status: criteria provided, single submitter. Criteria: LMM Criteria. Collection method: clinical testing. Allele origin: germline. Observed: 3 variant alleles.
Comment: c.933+14T>C in intron 16 of COL4A3: This variant is not expected to have clinica l significance because it is not located within the splice consensus sequence an d has been identified in 3.58% (2388/66624) of European chromosomes by the Exome Aggregation Consortium (ExAC; dbSNP rs55928538) .

Breakthrough Genomics
Classification: Likely benign. Review status: criteria provided, single submitter. Criteria: ACMG Guidelines, 2015. Collection method: not provided. Allele origin: germline. Inheritance: Autosomal recessive inheritance. Affected: yes.

PreventionGenetics, part of Exact Sciences
Classification: Benign. Review status: criteria provided, single submitter. Criteria: ACMG Guidelines, 2015. Collection method: clinical testing. Allele origin: germline.

Literature cited by the submitters: PubMed 25514610 (cited by Illumina Laboratory Services, Illumina).

NM_000091.5(COL4A3):c.933+14T>C

Genes: MFF-DT (MFF divergent transcript; minus strand), COL4A3 (collagen type IV alpha 3 chain; plus strand). Cytogenetic location: 2q36.3.
Variant type: single nucleotide variant.
Coding change: c.933+14T>C on transcript NM_000091.5 (MANE Select); 14 bases into the intron after coding-DNA position 933, T replaced by C.
Molecular consequence: intron variant.
Genome position (GRCh38, 1-based): chr2:227,256,084, T>C. VCF-style: chr2-227256084-T-C. GRCh37 (hg19) VCF-style: chr2-228120800-T-C.
Identifiers: ClinVar variation 255009 (VCV000255009.25), dbSNP rs55928538, ClinGen allele CA2146431.
Genomic context (GRCh38, chr2:227,256,084, plus strand): 5'-AGGGAAAACCCGGAAAAGATGGTGTTCCTGGCTTCCCTGGAAGTGAGGTATAGAGTTGAT[T>C]TGGCCTATGGAGGTAGTAAAAATGTCAGTCCTACTAGCTGAAGAAGGATTTTTTAAAATC-3'